The following is an entry in ClinVar:

ClinVar aggregate classification (germline): Uncertain significance (1 of 4 stars; one submission).

Submission:

Labcorp Genetics (formerly Invitae), Labcorp
Classification: Uncertain significance. Last evaluated: 2025-06-12. Review status: criteria provided, single submitter. Criteria: Invitae Variant Classification Sherloc (09022015). Collection method: clinical testing. Allele origin: germline.
Comment: This sequence change replaces alanine, which is neutral and non-polar, with serine, which is neutral and polar, at codon 2095 of the CACNA1D protein (p.Ala2095Ser). This variant is not present in population databases (gnomAD no frequency). This variant has not been reported in the literature in individuals affected with CACNA1D-related conditions. ClinVar contains an entry for this variant (Variation ID: 2995822). An algorithm developed to predict the effect of missense changes on protein structure and function (PolyPhen-2) suggests that this variant is likely to be disruptive. In summary, the available evidence is currently insufficient to determine the role of this variant in disease. Therefore, it has been classified as a Variant of Uncertain Significance.

NM_001128840.3(CACNA1D):c.6223G>T (p.Ala2075Ser)

Gene: CACNA1D (calcium voltage-gated channel subunit alpha1 D; plus strand). Cytogenetic location: 3p21.1.
Variant type: single nucleotide variant.
Coding change: c.6223G>T on transcript NM_001128840.3 (MANE Select); coding-DNA position 6223, G replaced by T.
Protein change: p.Ala2075Ser; replaces alanine 2075 with serine.
Molecular consequence: missense variant.
Genome position (GRCh38, 1-based): chr3:53,811,143, G>T. VCF-style: chr3-53811143-G-T. GRCh37 (hg19) VCF-style: chr3-53845170-G-T.
Other names: c.6283G>T, p.Ala2095Ser (NM_000720.4); c.6151G>T, p.Ala2051Ser (NM_001128839.3); short protein forms A2051S, A2075S, A2095S.
Identifiers: ClinVar variation 2995822 (VCV002995822.3), dbSNP rs2474577542, ClinGen allele CA353259025.